The following is an entry in ClinVar:

ClinVar aggregate classification (germline): Uncertain significance (1 of 4 stars; one submission).

Conditions:
Early-infantile DEE. Also called: Early infantile epileptic encephalopathy with suppression bursts; Early infantile epileptic encephalopathy; Ohtahara syndrome. Identifiers: Orphanet 1934, MedGen C0393706, MONDO:0800491.

Submission:

Labcorp Genetics (formerly Invitae), Labcorp
Classification: Uncertain significance for Early-infantile DEE. Last evaluated: 2024-01-04. Review status: criteria provided, single submitter. Criteria: Invitae Variant Classification Sherloc (09022015). Collection method: clinical testing. Allele origin: germline.
Comment: This sequence change falls in intron 22 of the SPTAN1 gene. It does not directly change the encoded amino acid sequence of the SPTAN1 protein. It affects a nucleotide within the consensus splice site. This variant is not present in population databases (gnomAD no frequency). This variant has not been reported in the literature in individuals affected with SPTAN1-related conditions. Variants that disrupt the consensus splice site are a relatively common cause of aberrant splicing (PMID: 17576681, 9536098). Algorithms developed to predict the effect of sequence changes on RNA splicing suggest that this variant is not likely to affect RNA splicing. In summary, the available evidence is currently insufficient to determine the role of this variant in disease. Therefore, it has been classified as a Variant of Uncertain Significance.

Literature cited by the submitters: PubMed 17576681; PubMed 9536098.

NM_001130438.3(SPTAN1):c.3155+6G>A

Gene: SPTAN1 (spectrin alpha, non-erythrocytic 1; plus strand). Cytogenetic location: 9q34.11.
Variant type: single nucleotide variant.
Coding change: c.3155+6G>A on transcript NM_001130438.3 (MANE Select); 6 bases into the intron after coding-DNA position 3155, G replaced by A.
Molecular consequence: intron variant.
Genome position (GRCh38, 1-based): chr9:128,591,631, G>A. VCF-style: chr9-128591631-G-A. GRCh37 (hg19) VCF-style: chr9-131353910-G-A.
Other names: c.3191+6G>A (NM_001375318.1, NM_001375312.2); c.3155+6G>A (NM_001375311.2, NM_001375314.2, NM_001375310.1 and 5 more transcripts).
Identifiers: ClinVar variation 2707567 (VCV002707567.3), dbSNP rs767158342, ClinGen allele CA1880348100.
Genomic context (GRCh38, chr9:128,591,631, plus strand): 5'-ATCTCCTGGAGGAGCAAGGCAGCATAGCACTGCGGCAGGAGCAGATTGACAATCAGTAAG[G>A]ATGACACTGGGGGCCGCAAGGGCTAGGCGTCCCATAGGCATACTCTGTTCCACATGGGCC-3'